The following is an entry in ClinVar:

NM_153490.3(KRT13):c.995A>G (p.Glu332Gly)

Gene: KRT13 (keratin 13; minus strand). Cytogenetic location: 17q21.2.
Variant type: single nucleotide variant.
Coding change: c.995A>G on transcript NM_153490.3 (MANE Select); coding-DNA position 995, A replaced by G.
Protein change: p.Glu332Gly; replaces glutamic acid 332 with glycine.
Molecular consequence: missense variant.
Genome position (GRCh38, 1-based): chr17:41,502,715, T>C on the plus strand (A>G on the coding strand, the complement: KRT13 is on the minus strand). VCF-style: chr17-41502715-T-C. GRCh37 (hg19) VCF-style: chr17-39658967-T-C.
Other names: c.995A>G, p.Glu332Gly (NM_002274.4); short protein forms E332G.
Identifiers: ClinVar variation 3025520 (VCV003025520.22), dbSNP rs141462482, ClinGen allele CA8560564.

ClinVar aggregate classification (germline): Benign (1 of 4 stars; one submission).

Allele frequency attached by ClinVar (database versions not stated): gnomAD exomes 0.00005; ExAC 0.00014; TOPMed 0.00037; ESP Exome Variant Server 0.00038; gnomAD 0.00040; 1000 Genomes Project 30x 0.00078; 1000 Genomes Project 0.00100.

Submission:

CeGaT Center for Human Genetics Tuebingen
Classification: Benign. Last evaluated: 2023-12-01. Review status: criteria provided, single submitter. Criteria: CeGaT Center For Human Genetics Tuebingen Variant Classification Criteria Version 2. Collection method: clinical testing. Allele origin: germline. Affected: yes. Observed: 1 variant allele.
Comment: KRT13: BS1, BS2